The following is an entry in ClinVar:

ClinVar aggregate classification (germline): Pathogenic/Likely pathogenic. Review status: no assertion criteria provided (0 of 4 stars). 2 submissions from 2 submitters: Pathogenic (1); Likely pathogenic (1). Last evaluated 2018-09-10.

Conditions:
Hearing loss, autosomal recessive. Also called: Rare autosomal recessive non-syndromic sensorineural deafness type DFNB; Nonsyndromic Hearing Loss, Recessive; Deafness, autosomal recessive; Autosomal recessive nonsyndromic deafness. Identifiers: Orphanet 90635, Orphanet 90636, MedGen C1846647, MONDO:0019588, OMIM 607197.
Deafness. Identifiers: MedGen C0011053, HP:0000365.

Submissions (2):

Center for Statistical Genetics, Columbia University
Classification: Pathogenic for Deafness. Last evaluated: 2018-09-10. Review status: no assertion criteria provided. Collection method: research. Allele origin: inherited. Affected: yes.
Comment: Autosomal recessive

University of Washington Center for Mendelian Genomics, University of Washington
Classification: Likely pathogenic for non-syndromic autosomal recessive hearing loss. Review status: no assertion criteria provided. Collection method: research. Allele origin: inherited. Affected: yes.

Literature cited by the submitters: PubMed 30303587 (cited by University of Washington Center for Mendelian Genomics, University of Washington).

NM_000260.4(MYO7A):c.3590T>C (p.Leu1197Pro)

Gene: MYO7A (myosin VIIA; plus strand). Cytogenetic location: 11q13.5.
Variant type: single nucleotide variant.
Coding change: c.3590T>C on transcript NM_000260.4 (MANE Select); coding-DNA position 3590, T replaced by C.
Protein change: p.Leu1197Pro; replaces leucine 1197 with proline.
Molecular consequence: missense variant.
Genome position (GRCh38, 1-based): chr11:77,189,430, T>C. VCF-style: chr11-77189430-T-C. GRCh37 (hg19) VCF-style: chr11-76900475-T-C.
Other names: c.3590T>C, p.Leu1197Pro (NM_001127180.2); c.3557T>C, p.Leu1186Pro (NM_001369365.1); short protein forms L1197P, L1186P.
Identifiers: ClinVar variation 560899 (VCV000560899.2), dbSNP rs1565430886, ClinGen allele CA381947007.